The following is an entry in ClinVar:

Conditions:
Arteriohepatic dysplasia. Also called: Alagille Syndrome. Identifiers: Orphanet 52, MedGen C0085280, MeSH D016738, MONDO:0007318.

Submission:

Gilbert/Spinner Lab, Children's Hospital of Philadelphia
No classification provided (evidence only). Condition: Alagille syndrome. Review status: no classification provided. Collection method: research. Allele origin: not applicable. Functional consequence: functionally_abnormal.
ClinVar note: "not provided" was previously submitted as the classification for the variant. However, the classification appeared to be based only on an observation of functional data so it was converted to no classification on 2025-07-30.

NM_000214.3(JAG1):c.825C>G (p.Ile275Met)

Gene: JAG1 (jagged canonical Notch ligand 1; minus strand). Cytogenetic location: 20p12.2.
Variant type: single nucleotide variant.
Coding change: c.825C>G on transcript NM_000214.3 (MANE Select); coding-DNA position 825, C replaced by G.
Protein change: p.Ile275Met; replaces isoleucine 275 with methionine.
Molecular consequence: missense variant.
Genome position (GRCh38, 1-based): chr20:10,652,529, G>C on the plus strand (C>G on the coding strand, the complement: JAG1 is on the minus strand). VCF-style: chr20-10652529-G-C. GRCh37 (hg19) VCF-style: chr20-10633177-G-C.
Other names: short protein forms I275M.
Identifiers: ClinVar variation 3573115 (VCV003573115.2).